The following is an entry in ClinVar:

NM_015178.3(RHOBTB2):c.591G>A (p.Lys197=)

Gene: RHOBTB2 (Rho related BTB domain containing 2; plus strand). Cytogenetic location: 8p21.3.
Variant type: single nucleotide variant.
Coding change: c.591G>A on transcript NM_015178.3 (MANE Select); coding-DNA position 591, G replaced by A.
Protein change: p.Lys197=; no amino-acid change (lysine 197 retained).
Molecular consequence: synonymous variant.
Genome position (GRCh38, 1-based): chr8:23,006,836, G>A. VCF-style: chr8-23006836-G-A. GRCh37 (hg19) VCF-style: chr8-22864349-G-A.
Other names: c.657G>A, p.Lys219= (NM_001160036.2); c.612G>A, p.Lys204= (NM_001160037.2); c.591G>A, p.Lys197= (NM_001374791.1).
Identifiers: ClinVar variation 1176879 (VCV001176879.42), dbSNP rs200107652, ClinGen allele CA4672487.
Genomic context (GRCh38, chr8:23,006,836, plus strand): 5'-GGCCAAGGAGCTGGGCATCCCCTACTATGAGACCAGCGTGGTGGCCCAGTTCGGCATCAA[G>A]GACGTCTTTGACAACGCCATCCGAGCTGCACTCATCTCCCGCCGCCACCTGCAGTTCTGG-3'
Protein context (NP_055993.2, residues 187-207): ETSVVAQFGI[Lys197=]DVFDNAIRAA

ClinVar aggregate classification (germline): Likely benign. Review status: criteria provided, multiple submitters, no conflicts (2 of 4 stars). 3 submissions from 3 submitters: Likely benign (3). Last evaluated 2025-01-19.

Allele frequency attached by ClinVar (database versions not stated): TOPMed 0.00007; gnomAD exomes 0.00008 and 0.00010; ExAC 0.00012; gnomAD 0.00013.
gnomAD v4.1: 135 of 1,614,006 alleles (0.0084%); highest among the groups gnomAD compares: Non-Finnish European, 0.0093%; no homozygotes.

Submissions (3):

Labcorp Genetics (formerly Invitae), Labcorp
Classification: Likely benign. Last evaluated: 2025-01-19. Review status: criteria provided, single submitter. Criteria: Invitae Variant Classification Sherloc (09022015). Collection method: clinical testing. Allele origin: germline.

Blueprint Genetics
Classification: Likely benign. Last evaluated: 2024-10-09. Review status: criteria provided, single submitter. Criteria: ACMG Guidelines, 2015. Collection method: clinical testing. Allele origin: germline.

CeGaT Center for Human Genetics Tuebingen
Classification: Likely benign. Last evaluated: 2023-10-01. Review status: criteria provided, single submitter. Criteria: CeGaT Center For Human Genetics Tuebingen Variant Classification Criteria Version 2. Collection method: clinical testing. Allele origin: germline. Affected: yes. Observed: 5 variant alleles.
Comment: RHOBTB2: PM2:Supporting, BP4, BP7